The following is an entry in ClinVar:

ClinVar aggregate classification (germline): Uncertain significance (1 of 4 stars; one submission).

Conditions:
Leigh syndrome (NULS). Also called: Leigh's necrotizing encephalopathy; Leigh's disease; Leigh Syndrome (mtDNA deletion); Leigh Disease; Subacute necrotizing encephalopathy; Necrotizing encephalopathy infantile subacute of Leigh. Identifiers: Orphanet 506, MedGen C2931891, MONDO:0009723, OMIM 256000.

Submission:

Wong Mito Lab, Molecular and Human Genetics, Baylor College of Medicine
Classification: Uncertain significance for Leigh syndrome. Last evaluated: 2019-10-17. Review status: criteria provided, single submitter. Criteria: Modified ACMG Guidelines (Unpublished). Collection method: clinical testing. Allele origin: germline.
Comment: The NC_012920.1:m.13438C>A (YP_003024036.1:p.Leu368Ile) variant in MTND5 gene is interpretated to be a Uncertain Significance variant based on the modified ACMG guidelines (unpublished). This variant meets the following evidence codes: PP7

NC_012920.1(MT-ND5):m.13438C>A

Gene: MT-ND5 (mitochondrially encoded NADH dehydrogenase 5; plus strand).
Variant type: single nucleotide variant.
Genome position: chrM-13438-C-A.
Identifiers: ClinVar variation 693555 (VCV000693555.1), dbSNP rs1603224189, ClinGen allele CA414818001.
Genomic context (GRCh38, chrMT:13,438, plus strand): 5'-CACAACCTTAACAATGAACAAGATATTCGAAAAATAGGAGGACTACTCAAAACCATACCT[C>A]TCACTTCAACCTCCCTCACCATTGGCAGCCTAGCATTAGCAGGAATACCTTTCCTCACAG-3'